The following is an entry in ClinVar:

ClinVar aggregate classification (germline): Uncertain significance. Review status: criteria provided, multiple submitters, no conflicts (2 of 4 stars). 4 submissions from 4 submitters: Uncertain significance (3). 1 of the submissions does not count toward it. Last evaluated 2025-06-13.

Conditions:
UMOD-related disorder. Also called: UMOD-related condition.
Familial juvenile hyperuricemic nephropathy type 1 (ADTKD1). Also called: Glomerulocystic kidney disease with hyperuricemia and isosthenuria; Medullary cystic kidney disease 2; Autosomal Dominant Tubulointerstitial Kidney Disease – UMOD; UMOD-Associated Kidney Disease; Uromodulin-associated kidney disease. Identifiers: Orphanet 209886, Orphanet 34149, Orphanet 88950, MedGen C4551496, MONDO:0008073, OMIM 162000.

Allele frequency attached by ClinVar (database versions not stated): ExAC 0.00001; TOPMed 0.00001; gnomAD 0.00002.
gnomAD v4.1: 33 of 1,614,072 alleles (0.002%); highest among the groups gnomAD compares: Middle Eastern, 0.016%; no homozygotes.

Submissions (4):

PreventionGenetics, part of Exact Sciences
Classification: Uncertain significance for UMOD-related condition. Last evaluated: 2025-06-13. Review status: criteria provided, single submitter. Criteria: ACMG Guidelines, 2015. Collection method: clinical testing. Allele origin: germline.
Comment: The UMOD c.1680C>G variant is predicted to result in the amino acid substitution p.Asp560Glu. To our knowledge, this variant has not been reported in the literature. This variant is reported in 0.0023% of alleles in individuals of European (non-Finnish) descent in gnomAD. At this time, the clinical significance of this variant is uncertain due to the absence of conclusive functional and genetic evidence.

Fulgent Genetics
Classification: Uncertain significance for Familial juvenile hyperuricemic nephropathy type 1. Last evaluated: 2021-07-02. Review status: criteria provided, single submitter. Criteria: ACMG Guidelines, 2015. Collection method: clinical testing. Allele origin: unknown.

Labcorp Genetics (formerly Invitae), Labcorp
Classification: Uncertain significance. Last evaluated: 2021-03-30. Review status: criteria provided, single submitter. Criteria: Invitae Variant Classification Sherloc (09022015). Collection method: clinical testing. Allele origin: germline.
Comment: This variant has not been reported in the literature in individuals with UMOD-related conditions. ClinVar contains an entry for this variant (Variation ID: 253010). This sequence change replaces aspartic acid with glutamic acid at codon 560 of the UMOD protein (p.Asp560Glu). The aspartic acid residue is moderately conserved and there is a small physicochemical difference between aspartic acid and glutamic acid. This variant is present in population databases (rs200473249, ExAC 0.001%). Algorithms developed to predict the effect of missense changes on protein structure and function are either unavailable or do not agree on the potential impact of this missense change (SIFT: "Tolerated"; PolyPhen-2: "Possibly Damaging"; Align-GVGD: "Class C0"). In summary, the available evidence is currently insufficient to determine the role of this variant in disease. Therefore, it has been classified as a Variant of Uncertain Significance.

Institute of Human Genetics, Cologne University
Classification: Uncertain significance for Familial juvenile hyperuricemic nephropathy type 1. Last evaluated: 2016-08-01. Review status: no assertion criteria provided. Collection method: clinical testing. Allele origin: unknown. Affected: yes. Observed: 1 variant allele, 1 heterozygote. Not counted in ClinVar's aggregate classification.

NM_003361.4(UMOD):c.1680C>G (p.Asp560Glu)

Gene: UMOD (uromodulin; minus strand). Cytogenetic location: 16p12.3.
Variant type: single nucleotide variant.
Coding change: c.1680C>G on transcript NM_003361.4 (MANE Select); coding-DNA position 1680, C replaced by G.
Protein change: p.Asp560Glu; replaces aspartic acid 560 with glutamic acid.
Molecular consequence: missense variant. On other transcripts: non-coding transcript variant (1).
Genome position (GRCh38, 1-based): chr16:20,337,351, G>C on the plus strand (C>G on the coding strand, the complement: UMOD is on the minus strand). VCF-style: chr16-20337351-G-C. GRCh37 (hg19) VCF-style: chr16-20348673-G-C.
Other names: c.1680C>G, p.Asp560Glu (NM_001008389.3, NM_001378232.1, NM_001378233.1); c.1779C>G, p.Asp593Glu (NM_001278614.2); c.1821C>G, p.Asp607Glu (NM_001378234.1, NM_001378235.1); short protein forms D560E, D593E, D607E.
Identifiers: ClinVar variation 253010 (VCV000253010.16), dbSNP rs200473249, ClinGen allele CA7939065.